The following is an entry in ClinVar:

NM_001330239.4(TJP1):c.2559C>T (p.Tyr853=)

Gene: TJP1 (tight junction protein 1; minus strand). Cytogenetic location: 15q13.1.
Variant type: single nucleotide variant.
Coding change: c.2559C>T on transcript NM_001330239.4 (MANE Select); coding-DNA position 2559, C replaced by T.
Protein change: p.Tyr853=; no amino-acid change (tyrosine 853 retained).
Molecular consequence: synonymous variant.
Genome position (GRCh38, 1-based): chr15:29,720,562, G>A on the plus strand (C>T on the coding strand, the complement: TJP1 is on the minus strand). VCF-style: chr15-29720562-G-A. GRCh37 (hg19) VCF-style: chr15-30012766-G-A.
Other names: c.2838C>T, p.Tyr946= (NM_001301025.3, NM_001355012.2); c.2571C>T, p.Tyr857= (NM_001301026.2, NM_001355013.1); c.2559C>T, p.Tyr853= (NM_001355014.2, NM_001355015.2, NM_003257.5 and 1 more transcripts).
Identifiers: ClinVar variation 3040102 (VCV003040102.2), dbSNP rs200389891, ClinGen allele CA7446993.

ClinVar aggregate classification (germline): Benign (0 of 4 stars; one submission).

Conditions:
TJP1-related disorder. Also called: TJP1-related condition.

Allele frequency attached by ClinVar (database versions not stated): ESP Exome Variant Server 0.00057; gnomAD 0.00067; gnomAD exomes 0.00071; TOPMed 0.00072; ExAC 0.00099.
gnomAD v4.1: 1,151 of 1,613,976 alleles (0.071%); highest among the groups gnomAD compares: Non-Finnish European, 0.07%; 2 homozygotes.

Submission:

PreventionGenetics, part of Exact Sciences
Classification: Benign for TJP1-related condition. Last evaluated: 2019-09-27. Review status: no assertion criteria provided. Collection method: clinical testing. Allele origin: germline.
Comment: This variant is classified as benign based on ACMG/AMP sequence variant interpretation guidelines (Richards et al. 2015 PMID: 25741868, with internal and published modifications).